The following is an entry in ClinVar:

NM_007078.3(LDB3):c.530C>T (p.Ala177Val)

Gene: LDB3 (LIM domain binding 3; plus strand). Cytogenetic location: 10q23.2.
Variant type: single nucleotide variant.
Coding change: c.530C>T on transcript NM_007078.3 (MANE Select); coding-DNA position 530, C replaced by T.
Protein change: p.Ala177Val; replaces alanine 177 with valine.
Molecular consequence: missense variant. On other transcripts: intron variant (5).
Genome position (GRCh38, 1-based): chr10:86,681,644, C>T. VCF-style: chr10-86681644-C-T. GRCh37 (hg19) VCF-style: chr10-88441401-C-T.
Other names: c.530C>T, p.Ala177Val (NM_001080115.2, NM_001171610.2, NM_001171611.2 and 3 more transcripts); c.321+1487C>T (NM_001368068.1, NM_001368066.1, NM_001080114.2 and 2 more transcripts); short protein forms A177V.
Identifiers: ClinVar variation 178834 (VCV000178834.20), dbSNP rs397517224, ClinGen allele CA183126.
Genomic context (GRCh38, chr10:86,681,644, plus strand): 5'-AGGCCTCTGACCCTGGCCCTCCGCGGGCCAGCCTGAGGGCCAAGACCAGCCCAGAGGGGG[C>T]CCGGGACCTACTCGGCCCAAAAGCCCTGCCGGGCTCGAGCCAGCCGAGGCAATATAACAA-3'
Protein context (NP_009009.1, residues 167-187): SLRAKTSPEG[Ala177Val]RDLLGPKALP

ClinVar aggregate classification (germline): Conflicting classifications of pathogenicity. Review status: criteria provided, conflicting classifications (1 of 4 stars). 6 submissions from 6 submitters: Uncertain significance (4); Likely benign (2). Last evaluated 2026-03-11.

Conditions:
Cardiovascular phenotype. Identifiers: MedGen CN230736.
Cardiomyopathy (CMYO). Also called: Cardiomyopathies. Identifiers: Orphanet 167848, MedGen C0878544, MONDO:0004994, HP:0001638. Inheritance: Various modes of inheritance.
Myofibrillar myopathy 4. Also called: Zaspopathy (type). Identifiers: Orphanet 98912, MedGen C4721886, MONDO:0012277, OMIM 609452.

Allele frequency attached by ClinVar (database versions not stated): gnomAD 0.00004 and 0.00005; TOPMed 0.00004; ExAC 0.00011.
gnomAD v4.1: 74 of 1,613,094 alleles (0.0046%); highest among the groups gnomAD compares: Middle Eastern, 0.033%; no homozygotes.

Submissions (6):

Ambry Genetics
Classification: Likely benign for Cardiovascular phenotype. Last evaluated: 2026-03-11. Review status: criteria provided, single submitter. Criteria: Ambry Variant Classification Scheme 2023. Collection method: clinical testing. Allele origin: germline.

Labcorp Genetics (formerly Invitae), Labcorp
Classification: Uncertain significance for Myofibrillar myopathy 4. Last evaluated: 2026-01-06. Review status: criteria provided, single submitter. Criteria: Invitae Variant Classification Sherloc (09022015). Collection method: clinical testing. Allele origin: germline.
Comment: The LDB3 gene has multiple clinically relevant transcripts. This variant occurs in alternate transcript NM_007078.3, and corresponds to NM_001080116.1:c.321+1487C>T in the primary transcript. This sequence change replaces alanine, which is neutral and non-polar, with valine, which is neutral and non-polar, at codon 177 of the LDB3 protein (p.Ala177Val). This variant is present in population databases (rs397517224, gnomAD 0.01%). This missense change has been observed in individual(s) with left ventricular noncompaction (PMID: 28798025). ClinVar contains an entry for this variant (Variation ID: 178834). Experimental studies and prediction algorithms are not available or were not evaluated, and the functional significance of this variant is currently unknown. Algorithms developed to predict the effect of sequence changes on RNA splicing suggest that this variant is not likely to affect RNA splicing. In summary, the available evidence is currently insufficient to determine the role of this variant in disease. Therefore, it has been classified as a Variant of Uncertain Significance.

Blueprint Genetics
Classification: Likely benign. Last evaluated: 2024-05-28. Review status: criteria provided, single submitter. Criteria: ACMG Guidelines, 2015. Collection method: clinical testing. Allele origin: germline.

GeneDx
Classification: Uncertain significance. Last evaluated: 2021-03-26. Review status: criteria provided, single submitter. Criteria: GeneDx Variant Classification Process June 2021. Collection method: clinical testing. Allele origin: germline. Affected: yes.
Comment: Reported in one individual diagnosed with LVNC, although further clinical details and segregation studies were not reported (Miszalski-Jamka et al., 2017); Reported in ClinVar as a variant of uncertain significant (ClinVar Variant ID# 178834; Landrum et al., 2016); In silico analysis, which includes splice predictors and evolutionary conservation, supports that this variant does not alter protein structure/function; This variant is associated with the following publications: (PMID: 28798025)

CHEO Genetics Diagnostic Laboratory, Children's Hospital of Eastern Ontario
Classification: Uncertain significance for Cardiomyopathy. Last evaluated: 2016-10-05. Review status: criteria provided, single submitter. Criteria: ACMG Guidelines, 2015. Collection method: clinical testing. Allele origin: germline. Study: Canadian Open Genetics Repository.

Laboratory for Molecular Medicine, Mass General Brigham Personalized Medicine
Classification: Uncertain significance. Last evaluated: 2013-10-15. Review status: criteria provided, single submitter. Criteria: LMM Criteria. Collection method: clinical testing. Allele origin: germline. Observed: 3 variant alleles.
Comment: Computational analyses (biochemical amino acid properties , conservation, AlignGVGD, PolyPhen2, and SIFT) do not provide strong support fo r or against an impact to the protein. Additional information is needed to fully assess the clinical significance of the Ala177Val variant.

Literature cited by the submitters: PubMed 28798025 (cited by Labcorp Genetics (formerly Invitae), Labcorp).